The following is an entry in ClinVar:

ClinVar aggregate classification (germline): Uncertain significance (1 of 4 stars; one submission).

Conditions:
Immunodeficiency 19 (IMD19). Also called: CD3-DELTA DEFICIENCY; SEVERE COMBINED IMMUNODEFICIENCY, T CELL-NEGATIVE, B CELL-POSITIVE, NK CELL-POSITIVE; SCID, T CELL-NEGATIVE, B CELL-POSITIVE, NK CELL-POSITIVE; IMMUNODEFICIENCY 19, SEVERE COMBINED. Identifiers: MedGen C3810147, MONDO:0014280, OMIM 615617.

Allele frequency attached by ClinVar (database versions not stated): gnomAD 0.00001 and 0.00003; ExAC 0.00002; gnomAD exomes 0.00002 and 0.00004; TOPMed 0.00002; 1000 Genomes Project 30x 0.00016; 1000 Genomes Project 0.00020.

Submission:

Labcorp Genetics (formerly Invitae), Labcorp
Classification: Uncertain significance for Immunodeficiency 19. Last evaluated: 2022-07-19. Review status: criteria provided, single submitter. Criteria: Invitae Variant Classification Sherloc (09022015). Collection method: clinical testing. Allele origin: germline.
Comment: This sequence change replaces threonine, which is neutral and polar, with methionine, which is neutral and non-polar, at codon 47 of the CD3D protein (p.Thr47Met). This variant is present in population databases (rs529884894, gnomAD 0.02%). This variant has not been reported in the literature in individuals affected with CD3D-related conditions. ClinVar contains an entry for this variant (Variation ID: 1403823). Algorithms developed to predict the effect of missense changes on protein structure and function are either unavailable or do not agree on the potential impact of this missense change (SIFT: "Deleterious"; PolyPhen-2: "Probably Damaging"; Align-GVGD: "Class C0"). In summary, the available evidence is currently insufficient to determine the role of this variant in disease. Therefore, it has been classified as a Variant of Uncertain Significance.

NM_000732.6(CD3D):c.140C>T (p.Thr47Met)

Gene: CD3D (CD3 delta subunit of T-cell receptor complex; minus strand). Cytogenetic location: 11q23.3.
Variant type: single nucleotide variant.
Coding change: c.140C>T on transcript NM_000732.6 (MANE Select); coding-DNA position 140, C replaced by T.
Protein change: p.Thr47Met; replaces threonine 47 with methionine.
Molecular consequence: missense variant.
Genome position (GRCh38, 1-based): chr11:118,340,509, G>A on the plus strand (C>T on the coding strand, the complement: CD3D is on the minus strand). VCF-style: chr11-118340509-G-A. GRCh37 (hg19) VCF-style: chr11-118211224-G-A.
Other names: c.140C>T, p.Thr47Met (NM_001040651.2); short protein forms T47M.
Identifiers: ClinVar variation 1403823 (VCV001403823.3), dbSNP rs529884894, ClinGen allele CA6301985.